The following is an entry in ClinVar:

NM_022124.6(CDH23):c.9012del (p.Phe3004fs)

Gene: CDH23 (cadherin related 23; plus strand). Cytogenetic location: 10q22.1.
Variant type: Deletion.
Coding change: c.9012del on transcript NM_022124.6 (MANE Select); coding-DNA position 9012, one base deleted (T; older notation c.9012delT).
Protein change: p.Phe3004fs; shifts the reading frame from phenylalanine 3004.
Molecular consequence: frameshift variant.
Genome position (GRCh38, 1-based): chr10:71,810,504, T deleted; the last of 3 consecutive T bases (chr10:71,810,502-71,810,504); deleting any one gives the same sequence. VCF-style (leftmost placement, unchanged base first): chr10-71810501-CT-C. GRCh37 (hg19) VCF-style: chr10-73570258-CT-C.
Other names: c.2292del, p.Phe764fs (NM_001171933.1, NM_001171934.1); short protein forms F3004fs, F764fs.
Identifiers: ClinVar variation 2025135 (VCV002025135.4), dbSNP rs866199775, ClinGen allele CA209439974.

ClinVar aggregate classification (germline): Pathogenic (1 of 4 stars; one submission).

Submission:

Labcorp Genetics (formerly Invitae), Labcorp
Classification: Pathogenic. Last evaluated: 2022-08-20. Review status: criteria provided, single submitter. Criteria: Invitae Variant Classification Sherloc (09022015). Collection method: clinical testing. Allele origin: germline.
Comment: This sequence change creates a premature translational stop signal (p.Phe3004Leufs*11) in the CDH23 gene. It is expected to result in an absent or disrupted protein product. Loss-of-function variants in CDH23 are known to be pathogenic (PMID: 11138009, 21940737). This variant is not present in population databases (gnomAD no frequency). For these reasons, this variant has been classified as Pathogenic. This variant has not been reported in the literature in individuals affected with CDH23-related conditions.

Literature cited by the submitters: PubMed 11138009; PubMed 21940737.